The following is an entry in ClinVar:

NM_001122752.2(SERPINI1):c.4G>T (p.Ala2Ser)

Gene: SERPINI1 (serpin family I member 1; plus strand). Cytogenetic location: 3q26.1.
Variant type: single nucleotide variant.
Coding change: c.4G>T on transcript NM_001122752.2 (MANE Select); coding-DNA position 4, G replaced by T.
Protein change: p.Ala2Ser; replaces alanine 2 with serine.
Molecular consequence: missense variant.
Genome position (GRCh38, 1-based): chr3:167,789,132, G>T. VCF-style: chr3-167789132-G-T. GRCh37 (hg19) VCF-style: chr3-167506920-G-T.
Other names: c.4G>T, p.Ala2Ser (NM_005025.5); short protein forms A2S.
Identifiers: ClinVar variation 1438411 (VCV001438411.8), dbSNP rs1727409437, ClinGen allele CA355155343.
Genomic context (GRCh38, chr3:167,789,132, plus strand): 5'-AGATAACTAATAATTAATATGTAAATTGTTGTTTTTTAGGCTTGAAACTGTTACAATATG[G>T]CTTTCCTTGGACTCTTCTCTTTGCTGGTTCTGCAAAGTATGGCTACAGGGGCCACTTTCC-3'
Protein context (NP_001116224.1, residues 1-12): M[Ala2Ser]FLGLFSLLVL

ClinVar aggregate classification (germline): Uncertain significance (1 of 4 stars; one submission).

Conditions:
Familial encephalopathy with neuroserpin inclusion bodies. Also called: ENCEPHALOPATHY, FAMILIAL, WITH COLLINS BODIES. Identifiers: Orphanet 85110, MedGen C1858680, MONDO:0011412, OMIM 604218.

Allele frequency attached by ClinVar (database versions not stated): TOPMed below 0.00001.

Submission:

Labcorp Genetics (formerly Invitae), Labcorp
Classification: Uncertain significance for Familial encephalopathy with neuroserpin inclusion bodies. Last evaluated: 2021-01-29. Review status: criteria provided, single submitter. Criteria: Invitae Variant Classification Sherloc (09022015). Collection method: clinical testing. Allele origin: germline.
Comment: In summary, the available evidence is currently insufficient to determine the role of this variant in disease. Therefore, it has been classified as a Variant of Uncertain Significance. Advanced modeling of protein sequence and biophysical properties (such as structural, functional, and spatial information, amino acid conservation, physicochemical variation, residue mobility, and thermodynamic stability) performed at Invitae indicates that this missense variant is not expected to disrupt SERPINI1 protein function. This variant has not been reported in the literature in individuals with SERPINI1-related conditions. This variant is not present in population databases (ExAC no frequency). This sequence change replaces alanine with serine at codon 2 of the SERPINI1 protein (p.Ala2Ser). The alanine residue is moderately conserved and there is a moderate physicochemical difference between alanine and serine.